The following is an entry in ClinVar:

NM_001204.7(BMPR2):c.1559C>T (p.Pro520Leu)

Gene: BMPR2 (bone morphogenetic protein receptor type 2; plus strand). Cytogenetic location: 2q33.2.
Variant type: single nucleotide variant.
Coding change: c.1559C>T on transcript NM_001204.7 (MANE Select); coding-DNA position 1559, C replaced by T.
Protein change: p.Pro520Leu; replaces proline 520 with leucine.
Molecular consequence: missense variant.
Genome position (GRCh38, 1-based): chr2:202,552,861, C>T. VCF-style: chr2-202552861-C-T. GRCh37 (hg19) VCF-style: chr2-203417584-C-T.
Other names: short protein forms P520L.
Identifiers: ClinVar variation 3585281 (VCV003585281.4).

ClinVar aggregate classification (germline): Conflicting classifications of pathogenicity. Review status: criteria provided, conflicting classifications (1 of 4 stars). 3 submissions from 3 submitters: Uncertain significance (2); Likely benign (1). Last evaluated 2024-12-25.

Conditions:
Inborn genetic diseases. Identifiers: MedGen C0950123, MeSH D030342.
Pulmonary hypertension, primary, 1 (PPH1). Also called: Pulmonary hypertension, familial primary, 1, with or without HHT. Identifiers: Orphanet 422, MedGen C4552070, MONDO:0024533, OMIM 178600.
Pulmonary venoocclusive disease 1 (PVOD1). Also called: Pulmonary venoocclusive disease 1, autosomal dominant. Identifiers: Orphanet 31837, MedGen C3887658, MONDO:0020713, OMIM 265450.
Primary pulmonary hypertension. Also called: Idiopathic pulmonary hypertension. Identifiers: MedGen C0152171.

gnomAD v4.1: 3 of 1,614,018 alleles (0.00019%); highest among the groups gnomAD compares: Admixed American, 0.005%; no homozygotes.

Submissions (3):

Ambry Genetics
Classification: Uncertain significance for Inborn genetic diseases. Last evaluated: 2024-12-25. Review status: criteria provided, single submitter. Criteria: Ambry Variant Classification Scheme 2023. Collection method: clinical testing. Allele origin: germline.
Comment: The p.P520L variant (also known as c.1559C>T), located in coding exon 11 of the BMPR2 gene, results from a C to T substitution at nucleotide position 1559. The proline at codon 520 is replaced by leucine, an amino acid with similar properties. This amino acid position is conserved. In addition, this alteration is predicted to be deleterious by in silico analysis. Based on the available evidence, the clinical significance of this variant remains unclear.

Labcorp Genetics (formerly Invitae), Labcorp
Classification: Likely benign for Primary pulmonary hypertension. Last evaluated: 2024-04-05. Review status: criteria provided, single submitter. Criteria: Invitae Variant Classification Sherloc (09022015). Collection method: clinical testing. Allele origin: germline.

Fulgent Genetics
Classification: Uncertain significance for Pulmonary hypertension, primary, 1; Pulmonary venoocclusive disease 1. Last evaluated: 2024-02-27. Review status: criteria provided, single submitter. Criteria: ACMG Guidelines, 2015. Collection method: clinical testing. Allele origin: germline.